The following is an entry in ClinVar:

ClinVar aggregate classification (germline): Conflicting classifications of pathogenicity. Review status: criteria provided, conflicting classifications (1 of 4 stars). 4 submissions from 4 submitters: Uncertain significance (2); Likely benign (1). 1 of the submissions does not count toward it. Last evaluated 2025-09-19.

Conditions:
Short-rib thoracic dysplasia 6 with or without polydactyly (SRTD6). Also called: SHORT RIB-POLYDACTYLY SYNDROME, TYPE IIA; SHORT-RIB THORACIC DYSPLASIA 6 WITH POLYDACTYLY; SHORT-RIB THORACIC DYSPLASIA 6 WITHOUT POLYDACTYLY; POLYDACTYLY WITH NEONATAL CHONDRODYSTROPHY, TYPE II; Majewski Syndrome. Identifiers: MedGen C0024507, MONDO:0009894, OMIM 263520.
Motor neuron disease. Also called: Degenerative motor system disease; Motor neuron disorder. Identifiers: Orphanet 98503, MedGen C0085084, MONDO:0020128.
NEK1-related disorder. Also called: NEK1-related condition.

Allele frequency attached by ClinVar (database versions not stated): gnomAD 0.00002; TOPMed 0.00002; gnomAD exomes 0.00003 and 0.00004; ExAC 0.00005; ESP Exome Variant Server 0.00008.
gnomAD v4.1: 54 of 1,600,396 alleles (0.0034%); highest among the groups gnomAD compares: Middle Eastern, 0.049%; no homozygotes.

Submissions (4):

Labcorp Genetics (formerly Invitae), Labcorp
Classification: Uncertain significance for Short-rib thoracic dysplasia 6 with or without polydactyly. Last evaluated: 2025-09-19. Review status: criteria provided, single submitter. Criteria: Invitae Variant Classification Sherloc (09022015). Collection method: clinical testing. Allele origin: germline.
Comment: This sequence change replaces histidine, which is basic and polar, with arginine, which is basic and polar, at codon 741 of the NEK1 protein (p.His741Arg). This variant is present in population databases (rs375173827, gnomAD 0.007%). This variant has not been reported in the literature in individuals affected with NEK1-related conditions. ClinVar contains an entry for this variant (Variation ID: 266050). Invitae Evidence Modeling of protein sequence and biophysical properties (such as structural, functional, and spatial information, amino acid conservation, physicochemical variation, residue mobility, and thermodynamic stability) indicates that this missense variant is not expected to disrupt NEK1 protein function with a negative predictive value of 80%. In summary, the available evidence is currently insufficient to determine the role of this variant in disease. Therefore, it has been classified as a Variant of Uncertain Significance.

Illumina Laboratory Services, Illumina
Classification: Uncertain significance for Short-rib thoracic dysplasia 6 with or without polydactyly. Last evaluated: 2018-01-13. Review status: criteria provided, single submitter. Criteria: ICSL Variant Classification Criteria 13 December 2019. Collection method: clinical testing. Allele origin: germline.

Centre for Genomic and Experimental Medicine, University of Edinburgh
Classification: Likely benign for Motor neuron disease. Last evaluated: 2016-08-31. Review status: criteria provided, single submitter. Criteria: Submitter's publication. Collection method: case-control. Allele origin: unknown. Affected: no. Observed: 1 heterozygote.

PreventionGenetics, part of Exact Sciences
Classification: Uncertain significance for NEK1-related condition. Last evaluated: 2023-11-27. Review status: no assertion criteria provided. Collection method: clinical testing. Allele origin: germline. Not counted in ClinVar's aggregate classification.
Comment: The NEK1 c.2222A>G variant is predicted to result in the amino acid substitution p.His741Arg. To our knowledge, this variant has not been reported in the literature. This variant is reported in 0.0070% of alleles in individuals of European (Non-Finnish) descent in gnomAD. At this time, the clinical significance of this variant is uncertain due to the absence of conclusive functional and genetic evidence.

Literature cited by the submitters: PubMed 28089114 (cited by Centre for Genomic and Experimental Medicine, University of Edinburgh).

NM_001199397.3(NEK1):c.2306A>G (p.His769Arg)

Gene: NEK1 (NIMA related kinase 1; minus strand). Cytogenetic location: 4q33.
Variant type: single nucleotide variant.
Coding change: c.2306A>G on transcript NM_001199397.3 (MANE Select); coding-DNA position 2306, A replaced by G.
Protein change: p.His769Arg; replaces histidine 769 with arginine.
Molecular consequence: missense variant. On other transcripts: non-coding transcript variant (1).
Genome position (GRCh38, 1-based): chr4:169,477,252, T>C on the plus strand (A>G on the coding strand, the complement: NEK1 is on the minus strand). VCF-style: chr4-169477252-T-C. GRCh37 (hg19) VCF-style: chr4-170398403-T-C.
Other names: c.2174A>G, p.His725Arg (NM_001199398.3); c.2015A>G, p.His672Arg (NM_001199399.3); c.2090A>G, p.His697Arg (NM_001199400.3); c.2306A>G, p.His769Arg (NM_001374418.1); c.2222A>G, p.His741Arg (NM_001374419.1, NM_012224.4); c.2171A>G, p.His724Arg (NM_001374420.1); c.2000A>G, p.His667Arg (NM_001374421.1); short protein forms H741R, H769R, H672R, H697R, H725R, H667R, H724R.
Identifiers: ClinVar variation 266050 (VCV000266050.10), dbSNP rs375173827, ClinGen allele CA3137445.